The following is an entry in ClinVar:

NM_000257.4(MYH7):c.1138+9C>T

Gene: MYH7 (myosin heavy chain 7; minus strand). Cytogenetic location: 14q11.2.
Variant type: single nucleotide variant.
Coding change: c.1138+9C>T on transcript NM_000257.4 (MANE Select); 9 bases into the intron after coding-DNA position 1138, C replaced by T.
Molecular consequence: intron variant.
Genome position (GRCh38, 1-based): chr14:23,429,766, G>A on the plus strand (C>T on the coding strand, the complement: MYH7 is on the minus strand). VCF-style: chr14-23429766-G-A. GRCh37 (hg19) VCF-style: chr14-23898975-G-A.
Other names: c.1138+9C>T (NM_001407004.1).
Identifiers: ClinVar variation 4738816 (VCV004738816.1).

ClinVar aggregate classification (germline): Uncertain significance (1 of 4 stars; one submission).

Conditions:
Hypertrophic cardiomyopathy. Also called: HYPERTROPHIC MYOCARDIOPATHY. Identifiers: Orphanet 217569, MedGen C0007194, MeSH D002312, MONDO:0005045, HP:0001639.

gnomAD v4.1: 2 of 1,611,612 alleles (0.00012%); highest among the groups gnomAD compares: Non-Finnish European, 0.00017%; no homozygotes.

Submission:

Labcorp Genetics (formerly Invitae), Labcorp
Classification: Uncertain significance for Hypertrophic cardiomyopathy. Last evaluated: 2025-12-23. Review status: criteria provided, single submitter. Criteria: Invitae Variant Classification Sherloc (09022015). Collection method: clinical testing. Allele origin: germline.
Comment: This sequence change falls in intron 12 of the MYH7 gene. It does not directly change the encoded amino acid sequence of the MYH7 protein. This variant is present in population databases (rs776516751, gnomAD 0.0009%). This variant has not been reported in the literature in individuals affected with MYH7-related conditions. Algorithms developed to predict the effect of sequence changes on RNA splicing suggest that this variant may disrupt the consensus splice site. In summary, the available evidence is currently insufficient to determine the role of this variant in disease. Therefore, it has been classified as a Variant of Uncertain Significance.